The following is an entry in ClinVar:

ClinVar aggregate classification (germline): Likely benign (1 of 4 stars; one submission).

Submission:

GeneDx
Classification: Likely benign. Last evaluated: 2016-11-01. Review status: criteria provided, single submitter. Criteria: GeneDx Variant Classification (06012015). Collection method: clinical testing. Allele origin: germline. Affected: yes.
Comment: This variant is considered likely benign or benign based on one or more of the following criteria: it is a conservative change, it occurs at a poorly conserved position in the protein, it is predicted to be benign by multiple in silico algorithms, and/or has population frequency not consistent with disease.

NM_001267550.2(TTN):c.9305+15C>A

Gene: TTN (titin; minus strand). Cytogenetic location: 2q31.2.
Variant type: single nucleotide variant.
Coding change: c.9305+15C>A on transcript NM_001267550.2 (MANE Select); 15 bases into the intron after coding-DNA position 9305, C replaced by A.
Molecular consequence: intron variant.
Genome position (GRCh38, 1-based): chr2:178,767,999, G>T on the plus strand (C>A on the coding strand, the complement: TTN is on the minus strand). VCF-style: chr2-178767999-G-T. GRCh37 (hg19) VCF-style: chr2-179632726-G-T.
Other names: c.9167+15C>A (NM_003319.4, NM_133437.4, NM_133432.3); c.9305+15C>A (NM_133378.4, NM_001256850.1, NM_133379.5).
Identifiers: ClinVar variation 390354 (VCV000390354.1), dbSNP rs1057523738, ClinGen allele CA16604054.
Genomic context (GRCh38, chr2:178,767,999, plus strand): 5'-GAAATTCGAGTTTACCGTATGGTGATTCAGAGGAAACTGGGAATTACTGGAATGTAGCAA[G>T]ACAAAACAACTGACCTGTCTGTGATCTGCAGTTCCTGGTCATCTTTCATCCACTGTACAG-3'